The following is an entry in ClinVar:

ClinVar aggregate classification (germline): Likely benign. Review status: criteria provided, single submitter (1 of 4 stars). 2 submissions from 2 submitters: Likely benign (1). 1 of the submissions does not count toward it. Last evaluated 2026-01-28.

Conditions:
SLC34A3-related disorder. Also called: SLC34A3-related condition.

gnomAD v4.1: 104 of 1,612,482 alleles (0.0064%); highest among the groups gnomAD compares: Non-Finnish European, 0.0083%; no homozygotes.

Submissions (2):

Labcorp Genetics (formerly Invitae), Labcorp
Classification: Likely benign. Last evaluated: 2026-01-28. Review status: criteria provided, single submitter. Criteria: Invitae Variant Classification Sherloc (09022015). Collection method: clinical testing. Allele origin: germline.

PreventionGenetics, part of Exact Sciences
Classification: Likely benign for SLC34A3-related condition. Last evaluated: 2024-01-04. Review status: no assertion criteria provided. Collection method: clinical testing. Allele origin: germline. Not counted in ClinVar's aggregate classification.
Comment: This variant is classified as likely benign based on ACMG/AMP sequence variant interpretation guidelines (Richards et al. 2015 PMID: 25741868, with internal and published modifications).

NM_001177316.2(SLC34A3):c.375C>A (p.Gly125=)

Gene: SLC34A3 (solute carrier family 34 member 3; plus strand). Cytogenetic location: 9q34.3.
Variant type: single nucleotide variant.
Coding change: c.375C>A on transcript NM_001177316.2 (MANE Select); coding-DNA position 375, C replaced by A.
Protein change: p.Gly125=; no amino-acid change (glycine 125 retained).
Molecular consequence: synonymous variant.
Genome position (GRCh38, 1-based): chr9:137,232,854, C>A. VCF-style: chr9-137232854-C-A. GRCh37 (hg19) VCF-style: chr9-140127306-C-A.
Other names: c.375C>A, p.Gly125= (NM_001177317.2, NM_080877.3).
Identifiers: ClinVar variation 3051606 (VCV003051606.3), dbSNP rs142873841, ClinGen allele CA5364356.